The following is an entry in ClinVar:

ClinVar aggregate classification (germline): Pathogenic (1 of 4 stars; one submission).

Conditions:
Pseudohypoparathyroidism type 1C (PHP1C). Also called: PHP IC; PSEUDOHYPOPARATHYROIDISM, TYPE IC; Pseudohypoparathyroidism Ic (PHP-Ic). Identifiers: Orphanet 79444, MedGen C2932716, MONDO:0012911, OMIM 612462.

Submission:

Department of Traditional Chinese Medicine, Fujian Provincial Hospital
Classification: Pathogenic for Pseudohypoparathyroidism type 1C. Review status: criteria provided, single submitter. Criteria: ACMG Guidelines, 2015. Collection method: research. Allele origin: germline.
Comment: According to ACMG guidelines, we classify this CNV as pathogenic based on the following evidence: 1A: The deletion contains multiple protein-coding genes and functionally important elements, including SPO11, RAE1, RBM38, CTCFL, and PCK1; 2A: It completely overlaps with GNAS, a well-established haploinsufficient gene; 3B: The affected region encompasses 27 protein-coding genes; 5A: This CNV was confirmed as a de novo variant since it was absent in both parents. The combination of these findings strongly supports the pathogenic nature of this CNV in causing the patient's pseudohypoparathyroidism.

Literature cited by the submitters: PubMed 21488135.

NC_000020.10:g.55906911_58646228del

Genes: STX16 (syntaxin 16; plus strand), RAE1 (ribonucleic acid export 1; plus strand), CDH26 (cadherin 26; plus strand), LINC02910 (long intergenic non-protein coding RNA 2910; plus strand), PHACTR3 (phosphatase and actin regulator 3; plus strand) and 28 more. Cytogenetic location: 20q13.31-13.33.
Variant type: Deletion.
Identifiers: ClinVar variation 3901267 (VCV003901267.1).